The following is an entry in ClinVar:

ClinVar aggregate classification (germline): Uncertain significance (1 of 4 stars; one submission).

Allele frequency attached by ClinVar (database versions not stated): TOPMed below 0.00001; gnomAD exomes 0.00002; ExAC 0.00003.
gnomAD v4.1: 6 of 1,614,126 alleles (0.00037%); highest among the groups gnomAD compares: Non-Finnish European, 0.00051%; no homozygotes.

Submission:

GeneDx
Classification: Uncertain significance. Last evaluated: 2019-06-11. Review status: criteria provided, single submitter. Criteria: GeneDx Variant Classification Process June 2021. Collection method: clinical testing. Allele origin: germline. Affected: yes.
Comment: In silico analysis, which includes protein predictors and evolutionary conservation, supports that this variant does not alter protein structure/function; Has not been previously published as pathogenic or benign to our knowledge

NM_015046.7(SETX):c.635C>G (p.Thr212Ser)

Gene: SETX (senataxin; minus strand). Cytogenetic location: 9q34.13.
Variant type: single nucleotide variant.
Coding change: c.635C>G on transcript NM_015046.7 (MANE Select); coding-DNA position 635, C replaced by G.
Protein change: p.Thr212Ser; replaces threonine 212 with serine.
Molecular consequence: missense variant.
Genome position (GRCh38, 1-based): chr9:132,336,379, G>C on the plus strand (C>G on the coding strand, the complement: SETX is on the minus strand). VCF-style: chr9-132336379-G-C. GRCh37 (hg19) VCF-style: chr9-135211766-G-C.
Other names: c.635C>G, p.Thr212Ser (NM_001351527.2, NM_001351528.2); short protein forms T212S.
Identifiers: ClinVar variation 1306442 (VCV001306442.2), dbSNP rs771502043, ClinGen allele CA5297994.